The following is an entry in ClinVar:

ClinVar aggregate classification (germline): Uncertain significance (1 of 4 stars; one submission).

Submission:

Labcorp Genetics (formerly Invitae), Labcorp
Classification: Uncertain significance. Last evaluated: 2022-09-12. Review status: criteria provided, single submitter. Criteria: Invitae Variant Classification Sherloc (09022015). Collection method: clinical testing. Allele origin: germline.
Comment: This sequence change replaces proline, which is neutral and non-polar, with alanine, which is neutral and non-polar, at codon 3831 of the HMCN1 protein (p.Pro3831Ala). This variant is not present in population databases (gnomAD no frequency). In summary, the available evidence is currently insufficient to determine the role of this variant in disease. Therefore, it has been classified as a Variant of Uncertain Significance. Algorithms developed to predict the effect of missense changes on protein structure and function are either unavailable or do not agree on the potential impact of this missense change (SIFT: "Tolerated"; PolyPhen-2: "Probably Damaging"; Align-GVGD: "Class C0"). This variant has not been reported in the literature in individuals affected with HMCN1-related conditions.

NM_031935.3(HMCN1):c.11491C>G (p.Pro3831Ala)

Gene: HMCN1 (hemicentin 1; plus strand). Cytogenetic location: 1q31.1.
Variant type: single nucleotide variant.
Coding change: c.11491C>G on transcript NM_031935.3 (MANE Select); coding-DNA position 11491, C replaced by G.
Protein change: p.Pro3831Ala; replaces proline 3831 with alanine.
Molecular consequence: missense variant.
Genome position (GRCh38, 1-based): chr1:186,115,344, C>G. VCF-style: chr1-186115344-C-G. GRCh37 (hg19) VCF-style: chr1-186084476-C-G.
Other names: short protein forms P3831A.
Identifiers: ClinVar variation 1717126 (VCV001717126.5), dbSNP rs2528007783, ClinGen allele CA343943757.
Genomic context (GRCh38, chr1:186,115,344, plus strand): 5'-ACCAACATGACTGTAATAGTAAATGTTCAAACTACTCTGGCTTGTGAGGCTACTGGGATA[C>G]CAAAACCATCAATCAATTGGAGAAAAAATGGGCATCTTCTTAATGTGGATCAAAATCAGA-3'
Protein context (NP_114141.2, residues 3821-3841): TTLACEATGI[Pro3831Ala]KPSINWRKNG